The following is an entry in ClinVar:

NM_001069.3(TUBB2A):c.256A>G (p.Arg86Gly)

Gene: TUBB2A (tubulin beta 2A class IIa; minus strand). Cytogenetic location: 6p25.2.
Variant type: single nucleotide variant.
Coding change: c.256A>G on transcript NM_001069.3 (MANE Select); coding-DNA position 256, A replaced by G.
Protein change: p.Arg86Gly; replaces arginine 86 with glycine.
Molecular consequence: missense variant. On other transcripts: 5 prime UTR variant (1).
Genome position (GRCh38, 1-based): chr6:3,155,646, T>C on the plus strand (A>G on the coding strand, the complement: TUBB2A is on the minus strand). VCF-style: chr6-3155646-T-C. GRCh37 (hg19) VCF-style: chr6-3155880-T-C.
Other names: c.-132A>G (NM_001310315.2); short protein forms R86G.
Identifiers: ClinVar variation 2822963 (VCV002822963.3), dbSNP rs746335930, ClinGen allele CA362593171.

ClinVar aggregate classification (germline): Uncertain significance (1 of 4 stars; one submission).

Submission:

Labcorp Genetics (formerly Invitae), Labcorp
Classification: Uncertain significance. Last evaluated: 2022-12-21. Review status: criteria provided, single submitter. Criteria: Invitae Variant Classification Sherloc (09022015). Collection method: clinical testing. Allele origin: germline.
Comment: This variant is not present in population databases (gnomAD no frequency). This sequence change replaces arginine, which is basic and polar, with glycine, which is neutral and non-polar, at codon 86 of the TUBB2A protein (p.Arg86Gly). This variant has not been reported in the literature in individuals affected with TUBB2A-related conditions. Advanced modeling of protein sequence and biophysical properties (such as structural, functional, and spatial information, amino acid conservation, physicochemical variation, residue mobility, and thermodynamic stability) performed at Invitae indicates that this missense variant is not expected to disrupt TUBB2A protein function. In summary, the available evidence is currently insufficient to determine the role of this variant in disease. Therefore, it has been classified as a Variant of Uncertain Significance.